The following is an entry in ClinVar:

ClinVar aggregate classification (germline): Uncertain significance. Review status: criteria provided, multiple submitters, no conflicts (2 of 4 stars). 2 submissions from 2 submitters: Uncertain significance (2). Last evaluated 2024-01-19.

Conditions:
Inborn genetic diseases. Identifiers: MedGen C0950123, MeSH D030342.

Allele frequency attached by ClinVar (database versions not stated): gnomAD exomes 0.00001; ExAC 0.00002; gnomAD 0.00002; TOPMed 0.00003.
gnomAD v4.1: 11 of 1,613,800 alleles (0.00068%); highest among the groups gnomAD compares: East Asian, 0.025%; no homozygotes.

Submissions (2):

Labcorp Genetics (formerly Invitae), Labcorp
Classification: Uncertain significance. Last evaluated: 2024-01-19. Review status: criteria provided, single submitter. Criteria: Invitae Variant Classification Sherloc (09022015). Collection method: clinical testing. Allele origin: germline.
Comment: This sequence change replaces asparagine, which is neutral and polar, with lysine, which is basic and polar, at codon 783 of the CSF2RB protein (p.Asn783Lys). This variant is present in population databases (rs758860799, gnomAD 0.07%), and has an allele count higher than expected for a pathogenic variant. This variant has not been reported in the literature in individuals affected with CSF2RB-related conditions. ClinVar contains an entry for this variant (Variation ID: 2458499). Advanced modeling of protein sequence and biophysical properties (such as structural, functional, and spatial information, amino acid conservation, physicochemical variation, residue mobility, and thermodynamic stability) performed at Invitae indicates that this missense variant is not expected to disrupt CSF2RB protein function with a negative predictive value of 80%. In summary, the available evidence is currently insufficient to determine the role of this variant in disease. Therefore, it has been classified as a Variant of Uncertain Significance.

Ambry Genetics
Classification: Uncertain significance for Inborn genetic diseases. Last evaluated: 2023-01-10. Review status: criteria provided, single submitter. Criteria: Ambry Variant Classification Scheme 2023. Collection method: clinical testing. Allele origin: germline.

NM_000395.3(CSF2RB):c.2349T>A (p.Asn783Lys)

Gene: CSF2RB (colony stimulating factor 2 receptor subunit beta; plus strand). Cytogenetic location: 22q12.3.
Variant type: single nucleotide variant.
Coding change: c.2349T>A on transcript NM_000395.3 (MANE Select); coding-DNA position 2349, T replaced by A.
Protein change: p.Asn783Lys; replaces asparagine 783 with lysine.
Molecular consequence: missense variant.
Genome position (GRCh38, 1-based): chr22:36,938,157, T>A. VCF-style: chr22-36938157-T-A. GRCh37 (hg19) VCF-style: chr22-37334199-T-A.
Other names: c.2367T>A, p.Asn789Lys (NM_001410827.1); short protein forms N783K, N789K.
Identifiers: ClinVar variation 2458499 (VCV002458499.5), dbSNP rs758860799, ClinGen allele CA10214096.